The following is an entry in ClinVar:

ClinVar aggregate classification (germline): Uncertain significance (1 of 4 stars; one submission).

Conditions:
Aicardi-Goutieres syndrome 5. Identifiers: Orphanet 51, MedGen C2749659, MONDO:0013059, OMIM 612952.

Allele frequency attached by ClinVar (database versions not stated): gnomAD exomes below 0.00001.
gnomAD v4.1: 2 of 1,607,306 alleles (0.00012%); highest among the groups gnomAD compares: Non-Finnish European, 0.00017%; no homozygotes.

Submission:

Labcorp Genetics (formerly Invitae), Labcorp
Classification: Uncertain significance for Aicardi-Goutieres syndrome 5. Last evaluated: 2022-05-23. Review status: criteria provided, single submitter. Criteria: Invitae Variant Classification Sherloc (09022015). Collection method: clinical testing. Allele origin: germline.
Comment: This sequence change replaces leucine, which is neutral and non-polar, with glutamine, which is neutral and polar, at codon 422 of the SAMHD1 protein (p.Leu422Gln). This variant is present in population databases (no rsID available, gnomAD 0.0009%). This missense change has been observed in individual(s) with clinical features of SAMHD1-related conditions (PMID: 28851465). Algorithms developed to predict the effect of missense changes on protein structure and function are either unavailable or do not agree on the potential impact of this missense change (SIFT: "Deleterious"; PolyPhen-2: "Probably Damaging"; Align-GVGD: "Class C0"). In summary, the available evidence is currently insufficient to determine the role of this variant in disease. Therefore, it has been classified as a Variant of Uncertain Significance.

Literature cited by the submitters: PubMed 28851465.

NM_015474.4(SAMHD1):c.1265T>A (p.Leu422Gln)

Gene: SAMHD1 (SAM and HD domain containing deoxynucleoside triphosphate triphosphohydrolase 1; minus strand). Cytogenetic location: 20q11.23.
Variant type: single nucleotide variant.
Coding change: c.1265T>A on transcript NM_015474.4 (MANE Select); coding-DNA position 1265, T replaced by A.
Protein change: p.Leu422Gln; replaces leucine 422 with glutamine.
Molecular consequence: missense variant.
Genome position (GRCh38, 1-based): chr20:36,911,223, A>T on the plus strand (T>A on the coding strand, the complement: SAMHD1 is on the minus strand). VCF-style: chr20-36911223-A-T. GRCh37 (hg19) VCF-style: chr20-35539626-A-T.
Other names: c.1265T>A, p.Leu422Gln (NM_001363729.2, NM_001363733.2); short protein forms L422Q.
Identifiers: ClinVar variation 2138343 (VCV002138343.1), dbSNP rs1177867586, ClinGen allele CA408843297.